The following is an entry in ClinVar:

NM_001127671.2(LIFR):c.1756G>T (p.Glu586Ter)

Gene: LIFR (LIF receptor subunit alpha; minus strand). Cytogenetic location: 5p13.1.
Variant type: single nucleotide variant.
Coding change: c.1756G>T on transcript NM_001127671.2 (MANE Select); coding-DNA position 1756, G replaced by T.
Protein change: p.Glu586Ter; replaces glutamic acid 586 with a stop codon.
Molecular consequence: nonsense.
Genome position (GRCh38, 1-based): chr5:38,496,511, C>A on the plus strand (G>T on the coding strand, the complement: LIFR is on the minus strand). VCF-style: chr5-38496511-C-A. GRCh37 (hg19) VCF-style: chr5-38496613-C-A.
Other names: c.1756G>T, p.Glu586Ter (NM_001364297.2, NM_001364298.2, NM_002310.6); short protein forms E586*.
Identifiers: ClinVar variation 353624 (VCV000353624.11), dbSNP rs754527323, ClinGen allele CA3242843.
Genomic context (GRCh38, chr5:38,496,511, plus strand): 5'-TGATGATGTAGTCATTCTTATCAAGTCGTATCTCTGCTTTGTGCTGAGGATCAGGGATTT[C>A]AGAAAGGGACTGTGTTTCCTCATCTGATGAACACGATACATTGTAGGAAAGTATTTTTCC-3'

ClinVar aggregate classification (germline): Pathogenic/Likely pathogenic. Review status: criteria provided, multiple submitters, no conflicts (2 of 4 stars). 2 submissions from 2 submitters: Pathogenic (1); Likely pathogenic (1). Last evaluated 2024-01-15.

Conditions:
Stüve-Wiedemann syndrome 1. Also called: STUVE-WIEDEMANN/SCHWARTZ-JAMPEL TYPE 2 SYNDROME. Identifiers: Orphanet 3206, MedGen C5676888, MONDO:0800043, OMIM 601559.

Allele frequency attached by ClinVar (database versions not stated): gnomAD exomes below 0.00001 and 0.00001; ExAC 0.00001; TOPMed 0.00001; gnomAD 0.00002.
gnomAD v4.1: 6 of 1,613,782 alleles (0.00037%); highest among the groups gnomAD compares: Non-Finnish European, 0.00051%; no homozygotes.

Submissions (2):

Fulgent Genetics
Classification: Likely pathogenic for Stüve-Wiedemann syndrome 1. Last evaluated: 2024-01-15. Review status: criteria provided, single submitter. Criteria: ACMG Guidelines, 2015. Collection method: clinical testing. Allele origin: germline.

Labcorp Genetics (formerly Invitae), Labcorp
Classification: Pathogenic. Last evaluated: 2023-02-10. Review status: criteria provided, single submitter. Criteria: Invitae Variant Classification Sherloc (09022015). Collection method: clinical testing. Allele origin: germline.
Comment: This sequence change creates a premature translational stop signal (p.Glu586*) in the LIFR gene. It is expected to result in an absent or disrupted protein product. Loss-of-function variants in LIFR are known to be pathogenic (PMID: 14740318). This variant is present in population databases (rs754527323, gnomAD 0.002%). This variant has not been reported in the literature in individuals affected with LIFR-related conditions. ClinVar contains an entry for this variant (Variation ID: 353624). Algorithms developed to predict the effect of sequence changes on RNA splicing suggest that this variant may disrupt the consensus splice site. For these reasons, this variant has been classified as Pathogenic.

Literature cited by the submitters: PubMed 14740318 (cited by Labcorp Genetics (formerly Invitae), Labcorp).